The following is an entry in ClinVar:

ClinVar aggregate classification (germline): Uncertain significance. Review status: criteria provided, multiple submitters, no conflicts (2 of 4 stars). 2 submissions from 2 submitters: Uncertain significance (2). Last evaluated 2024-09-23.

Conditions:
Cardiovascular phenotype. Identifiers: MedGen CN230736.
X-linked myopathy with postural muscle atrophy. Also called: FHL1-Related Emery-Dreifuss Muscular Dystrophy, X-Linked. Identifiers: Orphanet 178461, MedGen C2678055, MONDO:0010401, OMIM 300696.

Allele frequency attached by ClinVar (database versions not stated): gnomAD 0.00002 and 0.00003; TOPMed 0.00005; ESP Exome Variant Server 0.00009.
gnomAD v4.1: 47 of 1,210,085 alleles (0.0039%); highest among the groups gnomAD compares: Non-Finnish European, 0.005%; no homozygotes.

Submissions (2):

Labcorp Genetics (formerly Invitae), Labcorp
Classification: Uncertain significance for X-linked myopathy with postural muscle atrophy. Last evaluated: 2024-09-23. Review status: criteria provided, single submitter. Criteria: Invitae Variant Classification Sherloc (09022015). Collection method: clinical testing. Allele origin: germline.
Comment: This sequence change replaces valine, which is neutral and non-polar, with leucine, which is neutral and non-polar, at codon 115 of the FHL1 protein (p.Val115Leu). This variant is present in population databases (rs374479477, gnomAD 0.002%). This missense change has been observed in individual(s) with hypertrophic cardiomyopathy (PMID: 27532257). ClinVar contains an entry for this variant (Variation ID: 1523671). An algorithm developed to predict the effect of missense changes on protein structure and function (PolyPhen-2) suggests that this variant is likely to be disruptive. In summary, the available evidence is currently insufficient to determine the role of this variant in disease. Therefore, it has been classified as a Variant of Uncertain Significance.

Ambry Genetics
Classification: Uncertain significance for Cardiovascular phenotype. Last evaluated: 2024-01-02. Review status: criteria provided, single submitter. Criteria: Ambry Variant Classification Scheme 2023. Collection method: clinical testing. Allele origin: germline.
Comment: The p.V115L variant (also known as c.343G>T), located in coding exon 3 of the FHL1 gene, results from a G to T substitution at nucleotide position 343. The valine at codon 115 is replaced by leucine, an amino acid with highly similar properties. was identified in one patient with hypertrophic cardiomyopathy (HCM) in a large study of pathogenicity of Mendelian variants in cardiomyopathy patients, but clinical details are limited (Walsh R et al. Genet Med, 2017 Feb;19:192-203). Based on data from gnomAD, the T allele has an overall frequency of <0.01% (2/183455) total alleles studied, with 1 hemizygote(s) observed. The highest observed frequency was <0.01% (2/81926) of European (non-Finnish) alleles. This amino acid position is well conserved in available vertebrate species. In addition, the in silico prediction for this alteration is inconclusive. Since supporting evidence is limited at this time, the clinical significance of this alteration remains unclear.

Literature cited by the submitters: PubMed 27532257 (cited by Labcorp Genetics (formerly Invitae), Labcorp and Ambry Genetics).

NM_001159699.2(FHL1):c.391G>T (p.Val131Leu)

Gene: FHL1 (four and a half LIM domains 1; plus strand). Cytogenetic location: Xq26.3.
Variant type: single nucleotide variant.
Coding change: c.391G>T on transcript NM_001159699.2 (MANE Select); coding-DNA position 391, G replaced by T.
Protein change: p.Val131Leu; replaces valine 131 with leucine.
Molecular consequence: missense variant. On other transcripts: non-coding transcript variant (1).
Genome position (GRCh38, 1-based): chrX:136,207,803, G>T. VCF-style: chrX-136207803-G-T. GRCh37 (hg19) VCF-style: chrX-135289962-G-T.
Other names: c.343G>T (NM_001449.4); c.343G>T, p.Val115Leu (NM_001159700.2, NM_001159702.3, NM_001159703.2 and 9 more transcripts); c.430G>T, p.Val144Leu (NM_001159701.2); c.391G>T, p.Val131Leu (NM_001330659.2); short protein forms V144L, V115L, V131L.
Identifiers: ClinVar variation 1523671 (VCV001523671.7), dbSNP rs374479477, ClinGen allele CA10525002.